The following is an entry in ClinVar:

NM_001042492.3(NF1):c.1721_1721+37dup

Gene: NF1 (neurofibromin 1; plus strand). Cytogenetic location: 17q11.2.
Variant type: Duplication.
Coding change: c.1721_1721+37dup on transcript NM_001042492.3 (MANE Select); coding-DNA position 1721 through 37 bases into the intron after coding-DNA position 1721, 38 bases duplicated.
Molecular consequence: splice donor variant. On other transcripts: nonsense (1).
Genome position (GRCh38, 1-based): chr17:31,221,929-31,221,966, 38 bases duplicated; duplicating any 38 consecutive bases within chr17:31,221,928-31,221,966 gives the same sequence; the c. name uses the placement nearest the transcript's 3' end. GRCh37 (hg19): chr17:29,548,947-29,548,984.
Other names: c.1721_1758dup, p.Phe587delinsGlyIleCysThrPheIlePheTer (NM_001128147.3); c.1721_1721+37dup (NM_000267.4).
Identifiers: ClinVar variation 3605909 (VCV003605909.2).

ClinVar aggregate classification (germline): Uncertain significance (1 of 4 stars; one submission).

Conditions:
Neurofibromatosis, type 1 (NF1). Also called: VON RECKLINGHAUSEN DISEASE; NEUROFIBROMATOSIS, TYPE I, SOMATIC; Peripheral type neurofibromatosis; Neurofibromatosis, type I. Identifiers: Orphanet 636, MedGen C0027831, MONDO:0018975, OMIM 162200. Disease mechanism: loss of function.

Submission:

Labcorp Genetics (formerly Invitae), Labcorp
Classification: Uncertain significance for Neurofibromatosis, type 1. Last evaluated: 2024-08-21. Review status: criteria provided, single submitter. Criteria: Invitae Variant Classification Sherloc (09022015). Collection method: clinical testing. Allele origin: germline.
Comment: This sequence change falls in intron 15 of the NF1 gene. It does not directly change the encoded amino acid sequence of the NF1 protein. This variant is not present in population databases (gnomAD no frequency). This variant has not been reported in the literature in individuals affected with NF1-related conditions. Experimental studies and prediction algorithms are not available or were not evaluated, and the effect of this variant on mRNA splicing is currently unknown. In summary, the available evidence is currently insufficient to determine the role of this variant in disease. Therefore, it has been classified as a Variant of Uncertain Significance.